The following is an entry in ClinVar:

NM_005120.3(MED12):c.4528-19T>C

Gene: MED12 (mediator complex subunit 12; plus strand). Cytogenetic location: Xq13.1.
Variant type: single nucleotide variant.
Coding change: c.4528-19T>C on transcript NM_005120.3 (MANE Select); 19 bases into the intron before coding-DNA position 4528, T replaced by C.
Molecular consequence: intron variant.
Genome position (GRCh38, 1-based): chrX:71,133,104, T>C. VCF-style: chrX-71133104-T-C. GRCh37 (hg19) VCF-style: chrX-70352954-T-C.
Identifiers: ClinVar variation 380119 (VCV000380119.10), dbSNP rs370859385, ClinGen allele CA10444669.

ClinVar aggregate classification (germline): Benign/Likely benign. Review status: criteria provided, multiple submitters, no conflicts (2 of 4 stars). 3 submissions from 3 submitters: Benign (1); Likely benign (2). Last evaluated 2026-01-26.

Conditions:
FG syndrome (FGS). Identifiers: MedGen C0220769, MONDO:0002010.

Allele frequency attached by ClinVar (database versions not stated): ExAC 0.00020; gnomAD exomes 0.00023 and 0.00050; TOPMed 0.00025; gnomAD 0.00026 and 0.00027; ESP Exome Variant Server 0.00041.
gnomAD v4.1: 540 of 1,138,130 alleles (0.047%); highest among the groups gnomAD compares: Non-Finnish European, 0.061%; 2 homozygotes.

Submissions (3):

Labcorp Genetics (formerly Invitae), Labcorp
Classification: Benign for FG syndrome. Last evaluated: 2026-01-26. Review status: criteria provided, single submitter. Criteria: Invitae Variant Classification Sherloc (09022015). Collection method: clinical testing. Allele origin: germline.

Blueprint Genetics
Classification: Likely benign. Last evaluated: 2024-08-30. Review status: criteria provided, single submitter. Criteria: ACMG Guidelines, 2015. Collection method: clinical testing. Allele origin: germline.

GeneDx
Classification: Likely benign. Last evaluated: 2017-11-14. Review status: criteria provided, single submitter. Criteria: GeneDx Variant Classification (06012015). Collection method: clinical testing. Allele origin: germline. Affected: yes.
Comment: This variant is considered likely benign or benign based on one or more of the following criteria: it is a conservative change, it occurs at a poorly conserved position in the protein, it is predicted to be benign by multiple in silico algorithms, and/or has population frequency not consistent with disease.